The following is an entry in ClinVar:

ClinVar aggregate classification (germline): Uncertain significance. Review status: criteria provided, multiple submitters, no conflicts (2 of 4 stars). 2 submissions from 2 submitters: Uncertain significance (2). Last evaluated 2026-08-31.

Conditions:
Hereditary pancreatitis (PCTT). Also called: PRSS1-Related Hereditary Pancreatitis; Hereditary chronic pancreatitis. Identifiers: Orphanet 676, MedGen C0238339, MONDO:0008185, OMIM 167800.

gnomAD v4.1: 19 of 1,613,910 alleles (0.0012%); highest among the groups gnomAD compares: Non-Finnish European, 0.0015%; no homozygotes.

Submissions (2):

Ambry Genetics
Classification: Uncertain significance for Hereditary pancreatitis. Last evaluated: 2026-08-31. Review status: criteria provided, single submitter. Criteria: Ambry Variant Classification Scheme 2023. Collection method: clinical testing. Allele origin: germline.

Labcorp Genetics (formerly Invitae), Labcorp
Classification: Uncertain significance for Hereditary pancreatitis. Last evaluated: 2025-02-19. Review status: criteria provided, single submitter. Criteria: Invitae Variant Classification Sherloc (09022015). Collection method: clinical testing. Allele origin: germline.
Comment: This sequence change replaces serine, which is neutral and polar, with cysteine, which is neutral and slightly polar, at codon 40 of the PRSS1 protein (p.Ser40Cys). This variant is not present in population databases (gnomAD no frequency). This variant has not been reported in the literature in individuals affected with PRSS1-related conditions. ClinVar contains an entry for this variant (Variation ID: 1948384). Invitae Evidence Modeling of protein sequence and biophysical properties (such as structural, functional, and spatial information, amino acid conservation, physicochemical variation, residue mobility, and thermodynamic stability) indicates that this missense variant is expected to disrupt PRSS1 protein function with a positive predictive value of 80%. In summary, the available evidence is currently insufficient to determine the role of this variant in disease. Therefore, it has been classified as a Variant of Uncertain Significance.

NM_002769.5(PRSS1):c.119C>G (p.Ser40Cys)

Genes: PRSS1 (serine protease 1; plus strand), TRB (T cell receptor beta locus; plus strand). Cytogenetic location: 7q34.
Variant type: single nucleotide variant.
Coding change: c.119C>G on transcript NM_002769.5 (MANE Select); coding-DNA position 119, C replaced by G.
Protein change: p.Ser40Cys; replaces serine 40 with cysteine.
Molecular consequence: missense variant. On other transcripts: non-coding transcript variant (4).
Genome position (GRCh38, 1-based): chr7:142,750,633, C>G. VCF-style: chr7-142750633-C-G. GRCh37 (hg19) VCF-style: chr7-142458484-C-G.
Other names: short protein forms S40C.
Identifiers: ClinVar variation 1948384 (VCV001948384.8), dbSNP rs768277012, ClinGen allele CA369607287.